The following is an entry in ClinVar:

NM_002907.4(RECQL):c.322G>A (p.Glu108Lys)

Gene: RECQL (RecQ like helicase; minus strand). Cytogenetic location: 12p12.1.
Variant type: single nucleotide variant.
Coding change: c.322G>A on transcript NM_002907.4 (MANE Select); coding-DNA position 322, G replaced by A.
Protein change: p.Glu108Lys; replaces glutamic acid 108 with lysine.
Molecular consequence: missense variant.
Genome position (GRCh38, 1-based): chr12:21,490,271, C>T on the plus strand (G>A on the coding strand, the complement: RECQL is on the minus strand). VCF-style: chr12-21490271-C-T. GRCh37 (hg19) VCF-style: chr12-21643205-C-T.
Other names: c.322G>A, p.Glu108Lys (NM_032941.3); short protein forms E108K.
Identifiers: ClinVar variation 3222965 (VCV003222965.1), dbSNP rs2540399675, ClinGen allele CA384132702.
Genomic context (GRCh38, chr12:21,490,271, plus strand): 5'-ATGCTGGTAACTGGTAACATAAGCTCTTTCCACCTCCTGTAGGCATAACAAGAAATACCT[C>T]CTTTCCAGCCATTGTTACGTTAATAGTTTCAAGCTGAAGTGGTCTGAACTTTTCCAGTTT-3'
Protein context (NP_002898.2, residues 98-118): ETINVTMAGK[Glu108Lys]VFLVMPTGGG

ClinVar aggregate classification (germline): Uncertain significance (1 of 4 stars; one submission).

Submission:

Ambry Genetics
Classification: Uncertain significance. Last evaluated: 2023-10-15. Review status: criteria provided, single submitter. Criteria: Ambry Variant Classification Scheme 2023. Collection method: clinical testing. Allele origin: germline.
Comment: The p.E108K variant (also known as c.322G>A), located in coding exon 3 of the RECQL gene, results from a G to A substitution at nucleotide position 322. The glutamic acid at codon 108 is replaced by lysine, an amino acid with similar properties. This amino acid position is conserved. In addition, this alteration is predicted to be tolerated by in silico analysis. Since supporting evidence is limited at this time, the clinical significance of this alteration remains unclear.